The following is an entry in ClinVar:

NM_015656.2(KIF26A):c.5467+7C>G

Gene: KIF26A (kinesin family member 26A; plus strand). Cytogenetic location: 14q32.33.
Variant type: single nucleotide variant.
Coding change: c.5467+7C>G on transcript NM_015656.2 (MANE Select); 7 bases into the intron after coding-DNA position 5467, C replaced by G.
Molecular consequence: intron variant.
Genome position (GRCh38, 1-based): chr14:104,179,393, C>G. VCF-style: chr14-104179393-C-G. GRCh37 (hg19) VCF-style: chr14-104645730-C-G.
Identifiers: ClinVar variation 4882995 (VCV004882995.2).

ClinVar aggregate classification (germline): Uncertain significance (1 of 4 stars; one submission).

Submission:

Dasa
Classification: Uncertain significance. Last evaluated: 2026-02-27. Review status: criteria provided, single submitter. Criteria: DASA Assertion Criteria. Collection method: clinical testing. Allele origin: germline.
Comment: NM_015656.2(KIF26A):c.5467+7C>G is a splice-region variant. This variant is rare in population databases. Computational prediction algorithms are consistent with a benign effect. The currently available literature and clinical evidence are not sufficient to establish a definitive association between this variant and the reported condition. Therefore, this variant is classified as a variant of uncertain significance.